The following is an entry in ClinVar:

ClinVar aggregate classification (germline): Uncertain significance (1 of 4 stars; one submission).

Submission:

Labcorp Genetics (formerly Invitae), Labcorp
Classification: Uncertain significance. Last evaluated: 2025-08-15. Review status: criteria provided, single submitter. Criteria: Invitae Variant Classification Sherloc (09022015). Collection method: clinical testing. Allele origin: germline.
Comment: This sequence change replaces glycine, which is neutral and non-polar, with valine, which is neutral and non-polar, at codon 30 of the CCBE1 protein (p.Gly30Val). This variant is not present in population databases (gnomAD no frequency). This variant has not been reported in the literature in individuals affected with CCBE1-related conditions. ClinVar contains an entry for this variant (Variation ID: 1471112). An algorithm developed to predict the effect of missense changes on protein structure and function (PolyPhen-2) suggests that this variant is likely to be disruptive. In summary, the available evidence is currently insufficient to determine the role of this variant in disease. Therefore, it has been classified as a Variant of Uncertain Significance.

NM_133459.4(CCBE1):c.89G>T (p.Gly30Val)

Gene: CCBE1 (collagen and calcium binding EGF domains 1; minus strand). Cytogenetic location: 18q21.32.
Variant type: single nucleotide variant.
Coding change: c.89G>T on transcript NM_133459.4 (MANE Select); coding-DNA position 89, G replaced by T.
Protein change: p.Gly30Val; replaces glycine 30 with valine.
Molecular consequence: missense variant.
Genome position (GRCh38, 1-based): chr18:59,697,254, C>A on the plus strand (G>T on the coding strand, the complement: CCBE1 is on the minus strand). VCF-style: chr18-59697254-C-A. GRCh37 (hg19) VCF-style: chr18-57364486-C-A.
Other names: short protein forms G30V.
Identifiers: ClinVar variation 1471112 (VCV001471112.6), dbSNP rs2144763623, ClinGen allele CA402717465.